The following is an entry in ClinVar:

NM_198578.4(LRRK2):c.3018A>G (p.Ile1006Met)

Gene: LRRK2 (leucine rich repeat kinase 2; plus strand). Cytogenetic location: 12q12.
Variant type: single nucleotide variant.
Coding change: c.3018A>G on transcript NM_198578.4 (MANE Select); coding-DNA position 3018, A replaced by G.
Protein change: p.Ile1006Met; replaces isoleucine 1006 with methionine.
Molecular consequence: missense variant.
Genome position (GRCh38, 1-based): chr12:40,295,566, A>G. VCF-style: chr12-40295566-A-G. GRCh37 (hg19) VCF-style: chr12-40689368-A-G.
Other names: p.Ile1006Met; short protein forms I1006M.
Identifiers: ClinVar variation 39159 (VCV000039159.16), dbSNP rs113217062, ClinGen allele CA343529.

ClinVar aggregate classification (germline): Uncertain significance. Review status: criteria provided, multiple submitters, no conflicts (2 of 4 stars). 5 submissions from 5 submitters: Uncertain significance (4). 1 of the submissions does not count toward it. Last evaluated 2025-04-11.

Conditions:
Autosomal dominant Parkinson disease 8. Also called: Parkinson disease 8, susceptibility to; LRRK2-Related Parkinson Disease; Parkinson disease 8. Identifiers: Orphanet 411602, MedGen C1846862, MONDO:0011764, OMIM 607060.

Allele frequency attached by ClinVar (database versions not stated): gnomAD exomes 0.00001 and 0.00003; TOPMed 0.00004; ExAC 0.00002; gnomAD 0.00004.
gnomAD v4.1: 25 of 1,613,952 alleles (0.0015%); highest among the groups gnomAD compares: Non-Finnish European, 0.00025%; no homozygotes.

Submissions (5):

Mayo Clinic Laboratories, Mayo Clinic
Classification: Uncertain significance. Last evaluated: 2025-04-11. Review status: criteria provided, single submitter. Criteria: ACMG Guidelines, 2015. Collection method: clinical testing. Allele origin: germline. Observed: 1 variant allele.
Comment: BP4_moderate

Labcorp Genetics (formerly Invitae), Labcorp
Classification: Uncertain significance for Autosomal dominant Parkinson disease 8. Last evaluated: 2024-07-26. Review status: criteria provided, single submitter. Criteria: Invitae Variant Classification Sherloc (09022015). Collection method: clinical testing. Allele origin: germline.
Comment: This sequence change replaces isoleucine, which is neutral and non-polar, with methionine, which is neutral and non-polar, at codon 1006 of the LRRK2 protein (p.Ile1006Met). This variant is present in population databases (rs113217062, gnomAD 0.07%). This missense change has been observed in individual(s) with Parkinson's disease (PMID: 19405094, 22251894). ClinVar contains an entry for this variant (Variation ID: 39159). Advanced modeling of protein sequence and biophysical properties (such as structural, functional, and spatial information, amino acid conservation, physicochemical variation, residue mobility, and thermodynamic stability) has been performed at Invitae for this missense variant, however the output from this modeling did not meet the statistical confidence thresholds required to predict the impact of this variant on LRRK2 protein function. In summary, the available evidence is currently insufficient to determine the role of this variant in disease. Therefore, it has been classified as a Variant of Uncertain Significance.

Fulgent Genetics
Classification: Uncertain significance for Autosomal dominant Parkinson disease 8. Last evaluated: 2021-08-25. Review status: criteria provided, single submitter. Criteria: ACMG Guidelines, 2015. Collection method: clinical testing. Allele origin: unknown.

Illumina Laboratory Services, Illumina
Classification: Uncertain significance for Autosomal dominant Parkinson disease 8. Last evaluated: 2017-04-27. Review status: criteria provided, single submitter. Criteria: ICSL Variant Classification Criteria 13 December 2019. Collection method: clinical testing. Allele origin: germline.
Comment: This variant was observed as part of a predisposition screen in an ostensibly healthy population. A literature search was performed for the gene, cDNA change, and amino acid change (where applicable). Publications were found based on this search. However, the evidence from the literature, in combination with allele frequency data from public databases where available, was not sufficient to rule this variant in or out of causing disease. Therefore, this variant is classified as a variant of unknown significance.

GeneReviews
No classification provided. Condition: Autosomal dominant Parkinson disease 8. Review status: no classification provided. Collection method: literature only. Allele origin: unknown. Not counted in ClinVar's aggregate classification.

Literature cited by the submitters: PubMed 19405094 (cited by 3 submitters); PubMed 21885347 (cited by Mayo Clinic Laboratories, Mayo Clinic and Illumina Laboratory Services, Illumina); PubMed 22251894 (cited by 3 submitters); PubMed 37189360 (cited by Mayo Clinic Laboratories, Mayo Clinic); PubMed 20301387 (cited by GeneReviews); NCBI Bookshelf NBK1208 (cited by GeneReviews).